The following is an entry in ClinVar:

ClinVar aggregate classification (germline): Benign/Likely benign. Review status: criteria provided, multiple submitters, no conflicts (2 of 4 stars). 3 submissions from 3 submitters: Benign (1); Likely benign (2). Last evaluated 2024-05-10.

Conditions:
Hereditary cancer-predisposing syndrome. Also called: Tumor predisposition; Hereditary Cancer Syndrome; Hereditary neoplastic syndrome; Neoplastic Syndromes, Hereditary. Identifiers: Orphanet 140162, MedGen C0027672, MeSH D009386, MONDO:0015356.
Familial cancer of breast. Also called: Hereditary breast cancer; BREAST CANCER, FAMILIAL; hereditary breast carcinoma. Identifiers: Orphanet 227535, MedGen C0346153, MONDO:0016419, OMIM 114480. Disease mechanism: loss of function.
Ataxia-telangiectasia syndrome (AT). Also called: Cerebello-oculocutaneous telangiectasia; Immunodeficiency with ataxia telangiectasia; ATAXIA-TELANGIECTASIA, FRESNO VARIANT; Ataxia-telangiectasia, complementation group E; Ataxia-telangiectasia, complementation group D; AT, COMPLEMENTATION GROUP C. Identifiers: Orphanet 100, MedGen C0004135, MONDO:0008840, OMIM 208900.

Submissions (3):

Myriad Genetics, Inc.
Classification: Benign for Familial cancer of breast. Last evaluated: 2024-05-10. Review status: criteria provided, single submitter. Criteria: Myriad Autosomal Dominant, Autosomal Recessive and X-Linked Classification Criteria (2023). Collection method: clinical testing. Allele origin: unknown.
Comment: This variant is considered benign. This variant is a silent/synonymous amino acid change and it is not expected to impact splicing.

Labcorp Genetics (formerly Invitae), Labcorp
Classification: Likely benign for Ataxia-telangiectasia syndrome. Last evaluated: 2021-11-30. Review status: criteria provided, single submitter. Criteria: Invitae Variant Classification Sherloc (09022015). Collection method: clinical testing. Allele origin: germline.

Ambry Genetics
Classification: Likely benign for Hereditary cancer-predisposing syndrome. Last evaluated: 2020-12-25. Review status: criteria provided, single submitter. Criteria: Ambry Variant Classification Scheme 2023. Collection method: clinical testing. Allele origin: germline.

NM_000051.4(ATM):c.2788T>C (p.Leu930=)

Gene: ATM (ATM serine/threonine kinase; plus strand). Cytogenetic location: 11q22.3.
Variant type: single nucleotide variant.
Coding change: c.2788T>C on transcript NM_000051.4 (MANE Select); coding-DNA position 2788, T replaced by C.
Protein change: p.Leu930=; no amino-acid change (leucine 930 retained).
Molecular consequence: synonymous variant.
Genome position (GRCh38, 1-based): chr11:108,268,559, T>C. VCF-style: chr11-108268559-T-C. GRCh37 (hg19) VCF-style: chr11-108139286-T-C.
Other names: c.2788T>C, p.Leu930= (NM_001351834.2).
Identifiers: ClinVar variation 1537094 (VCV001537094.11), dbSNP rs2135526232, ClinGen allele CA476673986.